The following is an entry in ClinVar:

NM_000532.5(PCCB):c.757A>G (p.Met253Val)

Gene: PCCB (propionyl-CoA carboxylase subunit beta; plus strand). Cytogenetic location: 3q22.3.
Variant type: single nucleotide variant.
Coding change: c.757A>G on transcript NM_000532.5 (MANE Select); coding-DNA position 757, A replaced by G.
Protein change: p.Met253Val; replaces methionine 253 with valine.
Molecular consequence: missense variant.
Genome position (GRCh38, 1-based): chr3:136,293,858, A>G. VCF-style: chr3-136293858-A-G. GRCh37 (hg19) VCF-style: chr3-136012700-A-G.
Other names: c.817A>G, p.Met273Val (NM_001178014.2); short protein forms M273V, M253V.
Identifiers: ClinVar variation 1977390 (VCV001977390.2), dbSNP rs776370260, ClinGen allele CA2631850.

ClinVar aggregate classification (germline): Uncertain significance (1 of 4 stars; one submission).

Conditions:
Propionic acidemia (PROP). Also called: GLYCINEMIA, KETOTIC; HYPERGLYCINEMIA WITH KETOACIDOSIS AND LEUKOPENIA; KETOTIC HYPERGLYCINEMIA. Identifiers: Orphanet 35, MedGen C0268579, MONDO:0011628, OMIM 606054, HP:0003571.

Allele frequency attached by ClinVar (database versions not stated): gnomAD 0.00001; gnomAD exomes 0.00001; ExAC 0.00002; TOPMed 0.00002.
gnomAD v4.1: 12 of 1,570,318 alleles (0.00076%); highest among the groups gnomAD compares: South Asian, 0.0044%; no homozygotes.

Submission:

Labcorp Genetics (formerly Invitae), Labcorp
Classification: Uncertain significance for Propionic acidemia. Last evaluated: 2022-08-24. Review status: criteria provided, single submitter. Criteria: Invitae Variant Classification Sherloc (09022015). Collection method: clinical testing. Allele origin: germline.
Comment: This sequence change replaces methionine, which is neutral and non-polar, with valine, which is neutral and non-polar, at codon 253 of the PCCB protein (p.Met253Val). This variant is present in population databases (rs776370260, gnomAD 0.004%). This variant has not been reported in the literature in individuals affected with PCCB-related conditions. Advanced modeling of protein sequence and biophysical properties (such as structural, functional, and spatial information, amino acid conservation, physicochemical variation, residue mobility, and thermodynamic stability) performed at Invitae indicates that this missense variant is not expected to disrupt PCCB protein function. In summary, the available evidence is currently insufficient to determine the role of this variant in disease. Therefore, it has been classified as a Variant of Uncertain Significance.